The following is an entry in ClinVar:

ClinVar aggregate classification (germline): Uncertain significance (1 of 4 stars; one submission).

Conditions:
Inborn genetic diseases. Identifiers: MedGen C0950123, MeSH D030342.

Submission:

Ambry Genetics
Classification: Uncertain significance for Inborn genetic diseases. Last evaluated: 2024-09-12. Review status: criteria provided, single submitter. Criteria: Ambry Variant Classification Scheme 2023. Collection method: clinical testing. Allele origin: germline.
Comment: The p.T73P variant (also known as c.217A>C), located in coding exon 2 of the MDH2 gene, results from an A to C substitution at nucleotide position 217. The threonine at codon 73 is replaced by proline, an amino acid with highly similar properties. This amino acid position is conserved. In addition, the in silico prediction for this alteration is inconclusive. Based on the available evidence, the clinical significance of this variant remains unclear.

NM_005918.4(MDH2):c.217A>C (p.Thr73Pro)

Gene: MDH2 (malate dehydrogenase 2; plus strand). Cytogenetic location: 7q11.23.
Variant type: single nucleotide variant.
Coding change: c.217A>C on transcript NM_005918.4 (MANE Select); coding-DNA position 217, A replaced by C.
Protein change: p.Thr73Pro; replaces threonine 73 with proline.
Molecular consequence: missense variant. On other transcripts: intron variant (1).
Genome position (GRCh38, 1-based): chr7:76,054,980, A>C. VCF-style: chr7-76054980-A-C. GRCh37 (hg19) VCF-style: chr7-75684298-A-C.
Other names: c.217A>C, p.Thr73Pro (NM_001282403.2); c.-86-2430A>C (NM_001282404.2); short protein forms T73P.
Identifiers: ClinVar variation 3394048 (VCV003394048.1).